The following is an entry in ClinVar:

NM_000143.4(FH):c.170T>C (p.Phe57Ser)

Gene: FH (fumarate hydratase; minus strand). Cytogenetic location: 1q43.
Variant type: single nucleotide variant.
Coding change: c.170T>C on transcript NM_000143.4 (MANE Select); coding-DNA position 170, T replaced by C.
Protein change: p.Phe57Ser; replaces phenylalanine 57 with serine.
Molecular consequence: missense variant.
Genome position (GRCh38, 1-based): chr1:241,517,279, A>G on the plus strand (T>C on the coding strand, the complement: FH is on the minus strand). VCF-style: chr1-241517279-A-G. GRCh37 (hg19) VCF-style: chr1-241680579-A-G.
Other names: c.170T>C (NM_000143.3); short protein forms F57S.
Identifiers: ClinVar variation 1034481 (VCV001034481.11), dbSNP rs759884607, ClinGen allele CA1478755.
Genomic context (GRCh38, chr1:241,517,279, plus strand): 5'-ATCGTAGATCTCACGGTCTGGGCGCCATAATACTTATCATTTGGCACCTTTAGTTCACCA[A>G]AGGTATCATATTCTATCCGGAAGGAATTTTGGCTTGCCTAAAGACAAGAATACAACACTA-3'
Protein context (NP_000134.2, residues 47-67): QNSFRIEYDT[Phe57Ser]GELKVPNDKY

ClinVar aggregate classification (germline): Uncertain significance. Review status: criteria provided, multiple submitters, no conflicts (2 of 4 stars). 2 submissions from 2 submitters: Uncertain significance (2). Last evaluated 2026-03-04.

Conditions:
Hereditary cancer-predisposing syndrome. Also called: Hereditary Cancer Syndrome; Neoplastic Syndromes, Hereditary; Tumor predisposition; Hereditary neoplastic syndrome. Identifiers: Orphanet 140162, MedGen C0027672, MeSH D009386, MONDO:0015356.

Allele frequency attached by ClinVar (database versions not stated): gnomAD exomes below 0.00001; ExAC 0.00001.
gnomAD v4.1: 2 of 1,614,184 alleles (0.00012%); no homozygotes.

Submissions (2):

Ambry Genetics
Classification: Uncertain significance for Hereditary cancer-predisposing syndrome. Last evaluated: 2026-03-04. Review status: criteria provided, single submitter. Criteria: Ambry Variant Classification Scheme 2023. Collection method: clinical testing. Allele origin: germline.
Comment: The p.F57S variant (also known as c.170T>C), located in coding exon 2 of the FH gene, results from a T to C substitution at nucleotide position 170. The phenylalanine at codon 57 is replaced by serine, an amino acid with highly dissimilar properties. This amino acid position is highly conserved in available vertebrate species. In addition, this alteration is predicted to be deleterious by in silico analysis. Based on the available evidence, the clinical significance of this variant remains unclear.

Labcorp Genetics (formerly Invitae), Labcorp
Classification: Uncertain significance. Last evaluated: 2024-02-01. Review status: criteria provided, single submitter. Criteria: Invitae Variant Classification Sherloc (09022015). Collection method: clinical testing. Allele origin: germline.
Comment: This sequence change replaces phenylalanine, which is neutral and non-polar, with serine, which is neutral and polar, at codon 57 of the FH protein (p.Phe57Ser). This variant is present in population databases (rs759884607, gnomAD 0.0009%). This variant has not been reported in the literature in individuals affected with FH-related conditions. ClinVar contains an entry for this variant (Variation ID: 1034481). Advanced modeling of protein sequence and biophysical properties (such as structural, functional, and spatial information, amino acid conservation, physicochemical variation, residue mobility, and thermodynamic stability) performed at Invitae indicates that this missense variant is expected to disrupt FH protein function with a positive predictive value of 95%. In summary, the available evidence is currently insufficient to determine the role of this variant in disease. Therefore, it has been classified as a Variant of Uncertain Significance.